The following is an entry in ClinVar:

ClinVar aggregate classification (germline): Uncertain significance. Review status: criteria provided, multiple submitters, no conflicts (2 of 4 stars). 2 submissions from 2 submitters: Uncertain significance (2). Last evaluated 2024-04-25.

Conditions:
Gorlin syndrome. Also called: Nevoid Basal Cell Carcinoma Syndrome; Basal cell nevus syndrome. Identifiers: Orphanet 377, MedGen C0004779, MONDO:0007187.

Allele frequency attached by ClinVar (database versions not stated): gnomAD exomes below 0.00001; TOPMed below 0.00001; gnomAD 0.00001.
gnomAD v4.1: 3 of 1,613,744 alleles (0.00019%); highest among the groups gnomAD compares: African/African-American, 0.004%; no homozygotes.

Submissions (2):

Labcorp Genetics (formerly Invitae), Labcorp
Classification: Uncertain significance for Gorlin syndrome. Last evaluated: 2024-04-25. Review status: criteria provided, single submitter. Criteria: Invitae Variant Classification Sherloc (09022015). Collection method: clinical testing. Allele origin: germline.
Comment: This sequence change replaces serine, which is neutral and polar, with threonine, which is neutral and polar, at codon 1195 of the PTCH2 protein (p.Ser1195Thr). This variant is present in population databases (no rsID available, gnomAD 0.02%). This variant has not been reported in the literature in individuals affected with PTCH2-related conditions. ClinVar contains an entry for this variant (Variation ID: 2397763). An algorithm developed to predict the effect of missense changes on protein structure and function (PolyPhen-2) suggests that this variant is likely to be tolerated. In summary, the available evidence is currently insufficient to determine the role of this variant in disease. Therefore, it has been classified as a Variant of Uncertain Significance.

Ambry Genetics
Classification: Uncertain significance. Last evaluated: 2022-05-11. Review status: criteria provided, single submitter. Criteria: Ambry Variant Classification Scheme 2023. Collection method: clinical testing. Allele origin: germline.

NM_003738.5(PTCH2):c.3583T>A (p.Ser1195Thr)

Gene: PTCH2 (patched 2; minus strand). Cytogenetic location: 1p34.1.
Variant type: single nucleotide variant.
Coding change: c.3583T>A on transcript NM_003738.5 (MANE Select); coding-DNA position 3583, T replaced by A.
Protein change: p.Ser1195Thr; replaces serine 1195 with threonine.
Molecular consequence: missense variant. On other transcripts: intron variant (1).
Genome position (GRCh38, 1-based): chr1:44,822,444, A>T on the plus strand (T>A on the coding strand, the complement: PTCH2 is on the minus strand). VCF-style: chr1-44822444-A-T. GRCh37 (hg19) VCF-style: chr1-45288116-A-T.
Other names: c.3425+158T>A (NM_001166292.2); short protein forms S1195T.
Identifiers: ClinVar variation 2397763 (VCV002397763.4), dbSNP rs997809809, ClinGen allele CA21804814.